The following is an entry in ClinVar:

NM_001378457.1(DMXL2):c.7484C>G (p.Thr2495Arg)

Gene: DMXL2 (Dmx like 2; minus strand). Cytogenetic location: 15q21.2.
Variant type: single nucleotide variant.
Coding change: c.7484C>G on transcript NM_001378457.1 (MANE Select); coding-DNA position 7484, C replaced by G.
Protein change: p.Thr2495Arg; replaces threonine 2495 with arginine.
Molecular consequence: missense variant. On other transcripts: non-coding transcript variant (2).
Genome position (GRCh38, 1-based): chr15:51,466,220, G>C on the plus strand (C>G on the coding strand, the complement: DMXL2 is on the minus strand). VCF-style: chr15-51466220-G-C. GRCh37 (hg19) VCF-style: chr15-51758417-G-C.
Other names: c.7484C>G, p.Thr2495Arg (NM_001174116.3, NM_001378459.1, NM_001378461.1 and 1 more transcripts); c.5573C>G, p.Thr1858Arg (NM_001174117.3); c.7481C>G, p.Thr2494Arg (NM_001378458.1, NM_001378462.1, NM_015263.5); c.5462C>G, p.Thr1821Arg (NM_001378460.1); c.7241C>G, p.Thr2414Arg (NM_001378464.1); short protein forms T2414R, T2495R, T1858R, T1821R, T2494R.
Identifiers: ClinVar variation 1383049 (VCV001383049.29), dbSNP rs1356800244, ClinGen allele CA392439740.
Genomic context (GRCh38, chr15:51,466,220, plus strand): 5'-GAGAGAAAGAAAAGTCTTATTTACCTATAGGAATTTGGATCTTGGTGCTCCTGTATTTGT[G>C]TATCTGAAAAAAAGGCATCATCTTCTTCATCACTATGAATGCTTTCATCAGAATCATATA-3'
Protein context (NP_001365386.1, residues 2485-2505): DEEDDAFFSD[Thr2495Arg]QIQEHQDPNS

ClinVar aggregate classification (germline): Uncertain significance. Review status: criteria provided, multiple submitters, no conflicts (2 of 4 stars). 2 submissions from 2 submitters: Uncertain significance (2). Last evaluated 2022-04-01.

gnomAD v4.1: 2 of 1,575,080 alleles (0.00013%); highest among the groups gnomAD compares: Middle Eastern, 0.017%; no homozygotes.

Submissions (2):

CeGaT Center for Human Genetics Tuebingen
Classification: Uncertain significance. Last evaluated: 2022-04-01. Review status: criteria provided, single submitter. Criteria: CeGaT Center For Human Genetics Tuebingen Variant Classification Criteria Version 2. Collection method: clinical testing. Allele origin: germline. Affected: yes. Observed: 1 variant allele.
Comment: DMXL2: PM2, BP4

Labcorp Genetics (formerly Invitae), Labcorp
Classification: Uncertain significance. Last evaluated: 2021-11-12. Review status: criteria provided, single submitter. Criteria: Invitae Variant Classification Sherloc (09022015). Collection method: clinical testing. Allele origin: germline.
Comment: In summary, the available evidence is currently insufficient to determine the role of this variant in disease. Therefore, it has been classified as a Variant of Uncertain Significance. Algorithms developed to predict the effect of sequence changes on RNA splicing suggest that this variant may create or strengthen a splice site. Algorithms developed to predict the effect of missense changes on protein structure and function are either unavailable or do not agree on the potential impact of this missense change (SIFT: "Deleterious"; PolyPhen-2: "Benign"; Align-GVGD: "Class C0"). This variant has not been reported in the literature in individuals affected with DMXL2-related conditions. This variant is not present in population databases (gnomAD no frequency). This sequence change replaces threonine, which is neutral and polar, with arginine, which is basic and polar, at codon 2495 of the DMXL2 protein (p.Thr2495Arg).